The following is an entry in ClinVar:

ClinVar aggregate classification (germline): Uncertain significance (1 of 4 stars; one submission).

gnomAD v4.1: 1 of 1,578,798 alleles (0.000063%); highest among the groups gnomAD compares: Non-Finnish European, 0.000086%; no homozygotes.

Submission:

Labcorp Genetics (formerly Invitae), Labcorp
Classification: Uncertain significance. Last evaluated: 2024-04-30. Review status: criteria provided, single submitter. Criteria: Invitae Variant Classification Sherloc (09022015). Collection method: clinical testing. Allele origin: germline.
Comment: This sequence change replaces valine, which is neutral and non-polar, with alanine, which is neutral and non-polar, at codon 455 of the HNRNPK protein (p.Val455Ala). This variant is not present in population databases (gnomAD no frequency). This variant has not been reported in the literature in individuals affected with HNRNPK-related conditions. An algorithm developed to predict the effect of missense changes on protein structure and function (PolyPhen-2) suggests that this variant is likely to be tolerated. In summary, the available evidence is currently insufficient to determine the role of this variant in disease. Therefore, it has been classified as a Variant of Uncertain Significance.

NM_031263.4(HNRNPK):c.1364T>C (p.Val455Ala)

Gene: HNRNPK (heterogeneous nuclear ribonucleoprotein K; minus strand). Cytogenetic location: 9q21.32.
Variant type: single nucleotide variant.
Coding change: c.1364T>C on transcript NM_031263.4 (MANE Select); coding-DNA position 1364, T replaced by C.
Protein change: p.Val455Ala; replaces valine 455 with alanine.
Molecular consequence: missense variant. On other transcripts: intron variant (3).
Genome position (GRCh38, 1-based): chr9:83,969,438, A>G on the plus strand (T>C on the coding strand, the complement: HNRNPK is on the minus strand). VCF-style: chr9-83969438-A-G. GRCh37 (hg19) VCF-style: chr9-86584353-A-G.
Other names: c.1292T>C, p.Val431Ala (NM_001318187.2); c.1364T>C, p.Val455Ala (NM_002140.5); c.1362-58T>C (NM_031262.4, NM_001318188.2); c.1290-58T>C (NM_001318186.2); short protein forms V431A, V455A.
Identifiers: ClinVar variation 3685641 (VCV003685641.2).